The following is an entry in ClinVar:

ClinVar aggregate classification (germline): Conflicting classifications of pathogenicity. Review status: criteria provided, conflicting classifications (1 of 4 stars). 4 submissions from 4 submitters: Pathogenic (1); Likely pathogenic (2); Uncertain significance (1). Last evaluated 2025-09-05.

Conditions:
Steel syndrome (STLS). Identifiers: Orphanet 438117, MedGen C3554594, MONDO:0014061, OMIM 615155.

Submissions (4):

Labcorp Genetics (formerly Invitae), Labcorp
Classification: Pathogenic. Last evaluated: 2025-09-05. Review status: criteria provided, single submitter. Criteria: Invitae Variant Classification Sherloc (09022015). Collection method: clinical testing. Allele origin: germline.
Comment: This sequence change creates a premature translational stop signal (Splice site) in the COL27A1 gene. It is expected to result in an absent or disrupted protein product. Loss-of-function variants in COL27A1 are known to be pathogenic (PMID: 24986830, 28276056). This variant is present in population databases (rs756877794, gnomAD 0.009%). This variant has not been reported in the literature in individuals affected with COL27A1-related conditions. This variant is also known as c.62+1del. ClinVar contains an entry for this variant (Variation ID: 967932). For these reasons, this variant has been classified as Pathogenic.

Revvity Omics, Revvity
Classification: Uncertain significance for Steel syndrome. Last evaluated: 2025-05-06. Review status: criteria provided, single submitter. Criteria: ACMG Guidelines, 2015. Collection method: clinical testing. Allele origin: germline.

First Genomix Gene Laboratory, Genetic Diagnostics Department
Classification: Likely pathogenic for Steel syndrome. Last evaluated: 2022-06-21. Review status: criteria provided, single submitter. Criteria: ACMG Guidelines, 2015. Collection method: clinical testing. Allele origin: germline. Inheritance: Autosomal recessive inheritance. Affected: no. Observed: 8 variant alleles, 8 heterozygotes.
Comment: As part of Carrier Screening testing performed at First Genomix Laboratory, this variant was identified in a heterozygous state in several patients who were not affected with this condition. This variant is predicted by multiple in silico methods to have a deleterious effect on the protein structure and/or function.

Fulgent Genetics
Classification: Likely pathogenic for Steel syndrome. Last evaluated: 2021-10-16. Review status: criteria provided, single submitter. Criteria: ACMG Guidelines, 2015. Collection method: clinical testing. Allele origin: unknown.

Literature cited by the submitters: PubMed 24986830 (cited by Labcorp Genetics (formerly Invitae), Labcorp); PubMed 28276056 (cited by Labcorp Genetics (formerly Invitae), Labcorp).

NM_032888.4(COL27A1):c.62+1del

Gene: COL27A1 (collagen type XXVII alpha 1 chain; plus strand). Cytogenetic location: 9q32.
Variant type: Deletion.
Coding change: c.62+1del on transcript NM_032888.4 (MANE Select); the canonical splice donor site of the intron after coding-DNA position 62, one base deleted (G; older notation c.62+1delG).
Molecular consequence: splice donor variant.
Genome position (GRCh38, 1-based): chr9:114,156,013, G deleted; the last of 6 consecutive G bases (chr9:114,156,008-114,156,013); deleting any one gives the same sequence. VCF-style (leftmost placement, unchanged base first): chr9-114156007-CG-C. GRCh37 (hg19) VCF-style: chr9-116918287-CG-C.
Other names: c.62del (NM_032888.4); c.62+1delG (NM_032888.4).
Identifiers: ClinVar variation 967932 (VCV000967932.14), dbSNP rs756877794, ClinGen allele CA5200983.
Genomic context (GRCh38, chr9:114,156,007, plus strand): 5'-TGCCATGGGAGCGGGATCGGCGCGGGGGGCCCGAGGCACAGCGGCGGCGGCGGCGGCGCG[CG>C]GGGGGTGAGTACGAACTCGGGGACGCCCCCTCCCTAGCTTCCTGCTGCTCCAATCTCGGG-3'